The following is an entry in ClinVar:

ClinVar aggregate classification (germline): Uncertain significance (1 of 4 stars; one submission).

Conditions:
Inborn genetic diseases. Identifiers: MedGen C0950123, MeSH D030342.

gnomAD v4.1: 2 of 1,613,956 alleles (0.00012%); highest among the groups gnomAD compares: Non-Finnish European, 0.00017%; no homozygotes.

Submission:

Ambry Genetics
Classification: Uncertain significance for Inborn genetic diseases. Last evaluated: 2024-11-17. Review status: criteria provided, single submitter. Criteria: Ambry Variant Classification Scheme 2023. Collection method: clinical testing. Allele origin: germline.
Comment: The p.S61W variant (also known as c.182C>G), located in coding exon 2 of the BMPR2 gene, results from a C to G substitution at nucleotide position 182. The serine at codon 61 is replaced by tryptophan, an amino acid with highly dissimilar properties. This amino acid position is conserved. In addition, the in silico prediction for this alteration is inconclusive. Based on the available evidence, the clinical significance of this variant remains unclear.

NM_001204.7(BMPR2):c.182C>G (p.Ser61Trp)

Gene: BMPR2 (bone morphogenetic protein receptor type 2; plus strand). Cytogenetic location: 2q33.1.
Variant type: single nucleotide variant.
Coding change: c.182C>G on transcript NM_001204.7 (MANE Select); coding-DNA position 182, C replaced by G.
Protein change: p.Ser61Trp; replaces serine 61 with tryptophan.
Molecular consequence: missense variant.
Genome position (GRCh38, 1-based): chr2:202,464,914, C>G. VCF-style: chr2-202464914-C-G. GRCh37 (hg19) VCF-style: chr2-203329637-C-G.
Other names: short protein forms S61W.
Identifiers: ClinVar variation 3481271 (VCV003481271.1).
Genomic context (GRCh38, chr2:202,464,914, plus strand): 5'-AGCAAGACCTTGGGATAGGTGAGAGTAGAATCTCTCATGAAAATGGGACAATATTATGCT[C>G]GAAAGGTAGCACCTGCTATGGCCTTTGGGAGAAATCAAAAGGGGACATAAATCTTGTAAA-3'
Protein context (NP_001195.2, residues 51-71): ISHENGTILC[Ser61Trp]KGSTCYGLWE